The following is an entry in ClinVar:

ClinVar aggregate classification (germline): Uncertain significance. Review status: criteria provided, multiple submitters, no conflicts (2 of 4 stars). 4 submissions from 4 submitters: Uncertain significance (4). Last evaluated 2024-08-02.

Conditions:
Inborn genetic diseases. Identifiers: MedGen C0950123, MeSH D030342.
Fanconi anemia (FA). Also called: Fanconi's anemia. Identifiers: Orphanet 84, MedGen C0015625, MeSH D005199, MONDO:0019391.
Fanconi anemia complementation group P. Also called: SLX4-Related Fanconi Anemia. Identifiers: Orphanet 84, MedGen C3469542, MONDO:0013499, OMIM 613951.

Allele frequency attached by ClinVar (database versions not stated): gnomAD exomes below 0.00001 and 0.00002; gnomAD 0.00001; ExAC 0.00002; 1000 Genomes Project 30x 0.00016; 1000 Genomes Project 0.00020.
gnomAD v4.1: 8 of 1,614,114 alleles (0.0005%); highest among the groups gnomAD compares: South Asian, 0.0066%; no homozygotes.

Submissions (4):

Labcorp Genetics (formerly Invitae), Labcorp
Classification: Uncertain significance for Fanconi anemia. Last evaluated: 2024-08-02. Review status: criteria provided, single submitter. Criteria: Invitae Variant Classification Sherloc (09022015). Collection method: clinical testing. Allele origin: germline.
Comment: This sequence change replaces lysine, which is basic and polar, with glutamine, which is neutral and polar, at codon 301 of the SLX4 protein (p.Lys301Gln). This variant is present in population databases (rs571996250, gnomAD 0.01%). This variant has not been reported in the literature in individuals affected with SLX4-related conditions. ClinVar contains an entry for this variant (Variation ID: 982247). An algorithm developed to predict the effect of missense changes on protein structure and function (PolyPhen-2) suggests that this variant is likely to be disruptive. In summary, the available evidence is currently insufficient to determine the role of this variant in disease. Therefore, it has been classified as a Variant of Uncertain Significance.

Ambry Genetics
Classification: Uncertain significance for Inborn genetic diseases. Last evaluated: 2024-05-08. Review status: criteria provided, single submitter. Criteria: Ambry Variant Classification Scheme 2023. Collection method: clinical testing. Allele origin: germline.

Fulgent Genetics
Classification: Uncertain significance for Fanconi anemia complementation group P. Last evaluated: 2022-05-11. Review status: criteria provided, single submitter. Criteria: ACMG Guidelines, 2015. Collection method: clinical testing. Allele origin: unknown.

St. Jude Molecular Pathology, St. Jude Children's Research Hospital
Classification: Uncertain significance for Fanconi anemia. Last evaluated: 2020-08-19. Review status: criteria provided, single submitter. Criteria: St. Jude Assertion Criteria 2020. Collection method: clinical testing. Allele origin: germline.

NM_032444.4(SLX4):c.901A>C (p.Lys301Gln)

Gene: SLX4 (SLX4 structure-specific endonuclease subunit; minus strand). Cytogenetic location: 16p13.3.
Variant type: single nucleotide variant.
Coding change: c.901A>C on transcript NM_032444.4 (MANE Select); coding-DNA position 901, A replaced by C.
Protein change: p.Lys301Gln; replaces lysine 301 with glutamine.
Molecular consequence: missense variant.
Genome position (GRCh38, 1-based): chr16:3,602,167, T>G on the plus strand (A>C on the coding strand, the complement: SLX4 is on the minus strand). VCF-style: chr16-3602167-T-G. GRCh37 (hg19) VCF-style: chr16-3652168-T-G.
Other names: c.901A>C (NM_032444.2); short protein forms K301Q.
Identifiers: ClinVar variation 982247 (VCV000982247.11), dbSNP rs571996250, ClinGen allele CA7866713.